The following is an entry in ClinVar:

ClinVar aggregate classification (germline): Conflicting classifications of pathogenicity. Review status: criteria provided, conflicting classifications (1 of 4 stars). 3 submissions from 3 submitters: Uncertain significance (1); Likely benign (1). 1 of the submissions does not count toward it. Last evaluated 2025-10-22.

Conditions:
KIDINS220-related disorder. Also called: KIDINS220-related condition.
Inborn genetic diseases. Identifiers: MedGen C0950123, MeSH D030342.

Allele frequency attached by ClinVar (database versions not stated): gnomAD 0.00001; TOPMed 0.00001; gnomAD exomes 0.00003; ExAC 0.00007.
gnomAD v4.1: 21 of 1,614,044 alleles (0.0013%); highest among the groups gnomAD compares: Admixed American, 0.033%; no homozygotes.

Submissions (3):

Labcorp Genetics (formerly Invitae), Labcorp
Classification: Uncertain significance. Last evaluated: 2025-10-22. Review status: criteria provided, single submitter. Criteria: Invitae Variant Classification Sherloc (09022015). Collection method: clinical testing. Allele origin: germline.
Comment: This sequence change replaces aspartic acid, which is acidic and polar, with tyrosine, which is neutral and polar, at codon 1524 of the KIDINS220 protein (p.Asp1524Tyr). This variant is present in population databases (rs749707556, gnomAD 0.04%). This variant has not been reported in the literature in individuals affected with KIDINS220-related conditions. ClinVar contains an entry for this variant (Variation ID: 2142961). An algorithm developed to predict the effect of missense changes on protein structure and function (PolyPhen-2) suggests that this variant is likely to be disruptive. In summary, the available evidence is currently insufficient to determine the role of this variant in disease. Therefore, it has been classified as a Variant of Uncertain Significance.

Ambry Genetics
Classification: Likely benign for Inborn genetic diseases. Last evaluated: 2025-08-13. Review status: criteria provided, single submitter. Criteria: Ambry Variant Classification Scheme 2023. Collection method: clinical testing. Allele origin: germline.

PreventionGenetics, part of Exact Sciences
Classification: Uncertain significance for KIDINS220-related condition. Last evaluated: 2024-05-14. Review status: no assertion criteria provided. Collection method: clinical testing. Allele origin: germline. Not counted in ClinVar's aggregate classification.
Comment: The KIDINS220 c.4570G>T variant is predicted to result in the amino acid substitution p.Asp1524Tyr. To our knowledge, this variant has not been reported in the literature. This variant is reported in 0.043% of alleles in individuals of Latino descent in gnomAD. At this time, the clinical significance of this variant is uncertain due to the absence of conclusive functional and genetic evidence.

NM_020738.4(KIDINS220):c.4570G>T (p.Asp1524Tyr)

Gene: KIDINS220 (kinase D interacting substrate 220; minus strand). Cytogenetic location: 2p25.1.
Variant type: single nucleotide variant.
Coding change: c.4570G>T on transcript NM_020738.4 (MANE Select); coding-DNA position 4570, G replaced by T.
Protein change: p.Asp1524Tyr; replaces aspartic acid 1524 with tyrosine.
Molecular consequence: missense variant. On other transcripts: intron variant (6).
Genome position (GRCh38, 1-based): chr2:8,731,466, C>A on the plus strand (G>T on the coding strand, the complement: KIDINS220 is on the minus strand). VCF-style: chr2-8731466-C-A. GRCh37 (hg19) VCF-style: chr2-8871596-C-A.
Other names: c.4573G>T, p.Asp1525Tyr (NM_001348729.2); c.4516G>T, p.Asp1506Tyr (NM_001348731.2); c.4513G>T, p.Asp1505Tyr (NM_001348732.2); c.4402G>T, p.Asp1468Tyr (NM_001348734.2); c.4399G>T, p.Asp1467Tyr (NM_001348735.2); c.4273G>T, p.Asp1425Tyr (NM_001348736.2); c.3882+1978G>T (NM_001348741.2, NM_001348742.2, NM_001348743.2); c.3996+1978G>T (NM_001348738.2); and 2 more; short protein forms D1505Y, D1506Y, D1468Y, D1525Y, D1524Y, D1425Y, D1467Y.
Identifiers: ClinVar variation 2142961 (VCV002142961.6), dbSNP rs749707556, ClinGen allele CA1519347.